The following is an entry in ClinVar:

NM_001267550.2(TTN):c.36364+2T>A

Gene: TTN (titin; minus strand). Cytogenetic location: 2q31.2.
Variant type: single nucleotide variant.
Coding change: c.36364+2T>A on transcript NM_001267550.2 (MANE Select); the canonical splice donor site of the intron after coding-DNA position 36364, T replaced by A.
Molecular consequence: splice donor variant. On other transcripts: intron variant (5).
Genome position (GRCh38, 1-based): chr2:178,664,013, A>T on the plus strand (T>A on the coding strand, the complement: TTN is on the minus strand). VCF-style: chr2-178664013-A-T. GRCh37 (hg19) VCF-style: chr2-179528740-A-T.
Other names: c.13283-21696T>A (NM_003319.4); c.13859-21696T>A (NM_133437.4); c.13658-21696T>A (NM_133432.3); c.31484-958T>A (NM_133378.4); c.34265-958T>A (NM_001256850.1).
Identifiers: ClinVar variation 2036428 (VCV002036428.4), dbSNP rs2472946351, ClinGen allele CA349498829.

ClinVar aggregate classification (germline): Likely pathogenic (1 of 4 stars; one submission).

Conditions:
Dilated cardiomyopathy 1G (CMD1G). Identifiers: Orphanet 154, MedGen C1858763, MONDO:0011400, OMIM 604145.
Autosomal recessive limb-girdle muscular dystrophy type 2J (LGMDR10). Also called: MUSCULAR DYSTROPHY, LIMB-GIRDLE, AUTOSOMAL RECESSIVE 10; Limb-girdle muscular dystrophy, type 2J. Identifiers: Orphanet 140922, MedGen C1837342, MONDO:0012127, OMIM 608807.

Submission:

Labcorp Genetics (formerly Invitae), Labcorp
Classification: Likely pathogenic for Dilated cardiomyopathy 1G; Autosomal recessive limb-girdle muscular dystrophy type 2J. Last evaluated: 2024-10-18. Review status: criteria provided, single submitter. Criteria: Invitae Variant Classification Sherloc (09022015). Collection method: clinical testing. Allele origin: germline.
Comment: This sequence change affects a donor splice site in intron 169 of the TTN gene. It is expected to disrupt RNA splicing and likely results in a truncated or disrupted TTN protein. This variant is not present in population databases (gnomAD no frequency). This variant has not been observed in the literature in individuals with autosomal recessive TTN-related conditions. This variant has been reported in individual(s) with dilated cardiomyopathy (internal data); however, the role of the variant in this condition is currently unclear. ClinVar contains an entry for this variant (Variation ID: 2036428). Algorithms developed to predict the effect of sequence changes on RNA splicing suggest that this variant may disrupt the consensus splice site. This variant is located in the I band of TTN (PMID: 25589632). Truncating variants in this region have been reported in individuals affected with autosomal recessive centronuclear myopathy (PMID: 23975875, internal data). Truncating variants in this region have also been identified in individuals affected with autosomal dominant dilated cardiomyopathy and/or cardio-related conditions (PMID: 27869827, 32964742, internal data). In summary, the currently available evidence indicates that the variant is pathogenic, but additional data are needed to prove that conclusively. Therefore, this variant has been classified as Likely Pathogenic.

Literature cited by the submitters: PubMed 25589632; PubMed 23975875; PubMed 27869827; PubMed 32964742.